The following is an entry in ClinVar:

NM_001004334.4(GPR179):c.5960T>C (p.Leu1987Pro)

Gene: GPR179 (G protein-coupled receptor 179; minus strand). Cytogenetic location: 17q12.
Variant type: single nucleotide variant.
Coding change: c.5960T>C on transcript NM_001004334.4 (MANE Select); coding-DNA position 5960, T replaced by C.
Protein change: p.Leu1987Pro; replaces leucine 1987 with proline.
Molecular consequence: missense variant.
Genome position (GRCh38, 1-based): chr17:38,327,609, A>G on the plus strand (T>C on the coding strand, the complement: GPR179 is on the minus strand). VCF-style: chr17-38327609-A-G. GRCh37 (hg19) VCF-style: chr17-36483492-A-G.
Other names: short protein forms L1987P.
Identifiers: ClinVar variation 1358826 (VCV001358826.8), dbSNP rs2144255500, ClinGen allele CA398870484.
Genomic context (GRCh38, chr17:38,327,609, plus strand): 5'-ACACCTGCATCAGGAACATCCCATGGGCACACGTCAGCGGCCCTGCCCCCAGTGCTGACC[A>G]GTCTCTGGGAGCTAGCTTTAGGTTGGTCAGGGCGCTGTCTGTCTAGGTGAGAGACGGAAT-3'
Protein context (NP_001004334.3, residues 1977-1997): PDQPKASSQR[Leu1987Pro]VSTGGRAADV

ClinVar aggregate classification (germline): Uncertain significance (1 of 4 stars; one submission).

Allele frequency attached by ClinVar (database versions not stated): gnomAD exomes below 0.00001.
gnomAD v4.1: 2 of 1,614,188 alleles (0.00012%); highest among the groups gnomAD compares: Admixed American, 0.0017%; no homozygotes.

Submission:

Labcorp Genetics (formerly Invitae), Labcorp
Classification: Uncertain significance. Last evaluated: 2022-10-13. Review status: criteria provided, single submitter. Criteria: Invitae Variant Classification Sherloc (09022015). Collection method: clinical testing. Allele origin: germline.
Comment: This sequence change replaces leucine, which is neutral and non-polar, with proline, which is neutral and non-polar, at codon 1987 of the GPR179 protein (p.Leu1987Pro). This variant is not present in population databases (gnomAD no frequency). This variant has not been reported in the literature in individuals affected with GPR179-related conditions. ClinVar contains an entry for this variant (Variation ID: 1358826). Algorithms developed to predict the effect of missense changes on protein structure and function output the following: SIFT: "Deleterious"; PolyPhen-2: "Benign"; Align-GVGD: "Class C0". The proline amino acid residue is found in multiple mammalian species, which suggests that this missense change does not adversely affect protein function. In summary, the available evidence is currently insufficient to determine the role of this variant in disease. Therefore, it has been classified as a Variant of Uncertain Significance.